The following is an entry in ClinVar:

ClinVar aggregate classification (germline): Pathogenic (1 of 4 stars; one submission).

Conditions:
Neurofibromatosis, type 1 (NF1). Also called: Neurofibromatosis, type I; VON RECKLINGHAUSEN DISEASE; Peripheral type neurofibromatosis; NEUROFIBROMATOSIS, TYPE I, SOMATIC. Identifiers: Orphanet 636, MedGen C0027831, MONDO:0018975, OMIM 162200. Disease mechanism: loss of function.

Submission:

Labcorp Genetics (formerly Invitae), Labcorp
Classification: Pathogenic for Neurofibromatosis, type 1. Last evaluated: 2019-03-04. Review status: criteria provided, single submitter. Criteria: Invitae Variant Classification Sherloc (09022015). Collection method: clinical testing. Allele origin: germline.
Comment: For these reasons, this variant has been classified as Pathogenic. Loss-of-function variants in NF1 are known to be pathogenic (PMID: 10712197, 23913538). This variant has not been reported in the literature in individuals with NF1-related conditions. This variant is not present in population databases (ExAC no frequency). This sequence change creates a premature translational stop signal (p.Glu1356Asnfs*29) in the NF1 gene. It is expected to result in an absent or disrupted protein product.

Literature cited by the submitters: PubMed 10712197; PubMed 23913538.

NM_001042492.3(NF1):c.4065del (p.Glu1356fs)

Gene: NF1 (neurofibromin 1; plus strand). Cytogenetic location: 17q11.2.
Variant type: Deletion.
Coding change: c.4065del on transcript NM_001042492.3 (MANE Select); coding-DNA position 4065, one base deleted (A; older notation c.4065delA).
Protein change: p.Glu1356fs; shifts the reading frame from glutamic acid 1356.
Molecular consequence: frameshift variant.
Genome position (GRCh38, 1-based): chr17:31,249,074, A deleted. VCF-style (leftmost placement, unchanged base first): chr17-31249073-CA-C. GRCh37 (hg19) VCF-style: chr17-29576091-CA-C.
Other names: c.4065delA, p.Glu1356Asnfs (NM_000267.4); short protein forms E1356fs.
Identifiers: ClinVar variation 852526 (VCV000852526.6), dbSNP rs2067450400, ClinGen allele CA916080640.